The following is an entry in ClinVar:

ClinVar aggregate classification (germline): Uncertain significance (1 of 4 stars; one submission).

Allele frequency attached by ClinVar (database versions not stated): ExAC 0.00001; gnomAD exomes 0.00001 and 0.00002.
gnomAD v4.1: 26 of 1,613,918 alleles (0.0016%); highest among the groups gnomAD compares: Non-Finnish European, 0.002%; no homozygotes.

Submission:

Labcorp Genetics (formerly Invitae), Labcorp
Classification: Uncertain significance. Last evaluated: 2025-09-02. Review status: criteria provided, single submitter. Criteria: Invitae Variant Classification Sherloc (09022015). Collection method: clinical testing. Allele origin: germline.
Comment: This sequence change replaces phenylalanine, which is neutral and non-polar, with valine, which is neutral and non-polar, at codon 618 of the ADGRA3 protein (p.Phe618Val). This variant is present in population databases (rs761987546, gnomAD 0.002%). This variant has not been reported in the literature in individuals affected with ADGRA3-related conditions. ClinVar contains an entry for this variant (Variation ID: 1519619). An algorithm developed to predict the effect of missense changes on protein structure and function (PolyPhen-2) suggests that this variant is likely to be tolerated. In summary, the available evidence is currently insufficient to determine the role of this variant in disease. Therefore, it has been classified as a Variant of Uncertain Significance.

NM_145290.4(ADGRA3):c.1852T>G (p.Phe618Val)

Gene: ADGRA3 (adhesion G protein-coupled receptor A3; minus strand). Cytogenetic location: 4p15.2.
Variant type: single nucleotide variant.
Coding change: c.1852T>G on transcript NM_145290.4 (MANE Select); coding-DNA position 1852, T replaced by G.
Protein change: p.Phe618Val; replaces phenylalanine 618 with valine.
Molecular consequence: missense variant.
Genome position (GRCh38, 1-based): chr4:22,413,772, A>C on the plus strand (T>G on the coding strand, the complement: ADGRA3 is on the minus strand). VCF-style: chr4-22413772-A-C. GRCh37 (hg19) VCF-style: chr4-22415395-A-C.
Other names: short protein forms F618V.
Identifiers: ClinVar variation 1519619 (VCV001519619.6), dbSNP rs761987546, ClinGen allele CA2873799.